The following is an entry in ClinVar:

ClinVar aggregate classification (germline): Likely benign. Review status: criteria provided, single submitter (1 of 4 stars). 2 submissions from 2 submitters: Likely benign (1). 1 of the submissions does not count toward it. Last evaluated 2026-01-19.

Conditions:
PIEZO1-related disorder. Also called: PIEZO1-related condition; PIEZO1-Related Disorders.

Allele frequency attached by ClinVar (database versions not stated): gnomAD exomes 0.00005; TOPMed 0.00042.
gnomAD v4.1: 100 of 1,550,190 alleles (0.0065%); highest among the groups gnomAD compares: Non-Finnish European, 0.004%; 2 homozygotes.

Submissions (2):

Labcorp Genetics (formerly Invitae), Labcorp
Classification: Likely benign. Last evaluated: 2026-01-19. Review status: criteria provided, single submitter. Criteria: Invitae Variant Classification Sherloc (09022015). Collection method: clinical testing. Allele origin: germline.

PreventionGenetics, part of Exact Sciences
Classification: Likely benign for PIEZO1-related condition. Last evaluated: 2021-02-23. Review status: no assertion criteria provided. Collection method: clinical testing. Allele origin: germline. Not counted in ClinVar's aggregate classification.
Comment: This variant is classified as likely benign based on ACMG/AMP sequence variant interpretation guidelines (Richards et al. 2015 PMID: 25741868, with internal and published modifications).

NM_001142864.4(PIEZO1):c.6129A>C (p.Leu2043=)

Gene: PIEZO1 (piezo type mechanosensitive ion channel component 1 (Er blood group); minus strand). Cytogenetic location: 16q24.3.
Variant type: single nucleotide variant.
Coding change: c.6129A>C on transcript NM_001142864.4 (MANE Select); coding-DNA position 6129, A replaced by C.
Protein change: p.Leu2043=; no amino-acid change (leucine 2043 retained).
Molecular consequence: synonymous variant.
Genome position (GRCh38, 1-based): chr16:88,720,104, T>G on the plus strand (A>C on the coding strand, the complement: PIEZO1 is on the minus strand). VCF-style: chr16-88720104-T-G. GRCh37 (hg19) VCF-style: chr16-88786512-T-G.
Identifiers: ClinVar variation 726654 (VCV000726654.7), dbSNP rs1020388833, ClinGen allele CA286409339.